The following is an entry in ClinVar:

ClinVar aggregate classification (germline): Pathogenic (1 of 4 stars; one submission).

Submission:

Labcorp Genetics (formerly Invitae), Labcorp
Classification: Pathogenic. Last evaluated: 2025-02-26. Review status: criteria provided, single submitter. Criteria: Invitae Variant Classification Sherloc (09022015). Collection method: clinical testing. Allele origin: germline.
Comment: This sequence change creates a premature translational stop signal (p.Trp660*) in the PHEX gene. It is expected to result in an absent or disrupted protein product. Loss-of-function variants in PHEX are known to be pathogenic (PMID: 9097956, 9106524, 19219621). This variant is not present in population databases (gnomAD no frequency). This premature translational stop signal has been observed in individual(s) with PHEX-related conditions (PMID: 24836714). For these reasons, this variant has been classified as Pathogenic.

Literature cited by the submitters: PubMed 9097956; PubMed 9106524; PubMed 19219621; PubMed 24836714.

NM_000444.6(PHEX):c.1980_1987del (p.Trp660_Asp663delinsTer)

Genes: PHEX (phosphate regulating endopeptidase X-linked; plus strand), PTCHD1-AS (PTCHD1 and PHEX antisense RNA; minus strand). Cytogenetic location: Xp22.11.
Variant type: Deletion.
Coding change: c.1980_1987del on transcript NM_000444.6 (MANE Select); coding-DNA positions 1980 to 1987, 8 bases deleted (GATAAATG; older notation c.1980_1987delGATAAATG).
Protein change: p.Trp660_Asp663delinsTer.
Molecular consequence: nonsense. On other transcripts: non-coding transcript variant (1).
Genome position (GRCh38, 1-based): chrX:22,227,521-22,227,528, GATAAATG deleted; deleting any 8 consecutive bases within chrX:22,227,516-22,227,528 gives the same sequence; the c. name uses the placement nearest the transcript's 3' end. VCF-style (leftmost placement, unchanged base first): chrX-22227515-GAAATGGAT-G. GRCh37 (hg19) VCF-style: chrX-22245632-GAAATGGAT-G.
Other names: c.1980_1987del, p.Trp660_Asp663delinsTer (NM_001282754.2).
Identifiers: ClinVar variation 4713953 (VCV004713953.1).